The following is an entry in ClinVar:

ClinVar aggregate classification (germline): Pathogenic (1 of 4 stars; one submission).

Submission:

Labcorp Genetics (formerly Invitae), Labcorp
Classification: Pathogenic. Last evaluated: 2025-07-23. Review status: criteria provided, single submitter. Criteria: Invitae Variant Classification Sherloc (09022015). Collection method: clinical testing. Allele origin: germline.
Comment: This sequence change creates a premature translational stop signal (p.Val570*) in the CTNNB1 gene. It is expected to result in an absent or disrupted protein product. Loss-of-function variants in CTNNB1 are known to be pathogenic (PMID: 23033978, 24614104, 25326669, 26350204, 28575650). This variant is not present in population databases (gnomAD no frequency). This variant has not been reported in the literature in individuals affected with CTNNB1-related conditions. ClinVar contains an entry for this variant (Variation ID: 1457735). For these reasons, this variant has been classified as Pathogenic.

Literature cited by the submitters: PubMed 23033978; PubMed 24614104; PubMed 25326669; PubMed 26350204; PubMed 28575650.

NM_001904.4(CTNNB1):c.1706_1707dup (p.Val570Ter)

Gene: CTNNB1 (catenin beta 1; plus strand). Cytogenetic location: 3p22.1.
Variant type: Duplication.
Coding change: c.1706_1707dup on transcript NM_001904.4 (MANE Select); coding-DNA positions 1706 to 1707, 2 bases duplicated (TA; older notation c.1706_1707dupTA).
Protein change: p.Val570Ter; replaces valine 570 with a stop codon.
Molecular consequence: nonsense.
Genome position (GRCh38, 1-based): chr3:41,235,746-41,235,747, TA duplicated; duplicating any 2 consecutive bases within chr3:41,235,745-41,235,747 gives the same sequence; the c. name uses the placement nearest the transcript's 3' end. VCF-style (leftmost placement, unchanged base first): chr3-41235744-A-AAT. GRCh37 (hg19) VCF-style: chr3-41277235-A-AAT.
Other names: c.1706_1707dup, p.Val570Ter (NM_001098209.2, NM_001098210.2); c.1685_1686dup, p.Val563Ter (NM_001330729.2); short protein forms V563*, V570*.
Identifiers: ClinVar variation 1457735 (VCV001457735.6), dbSNP rs2125644619, ClinGen allele CA2573136944.